The following is an entry in ClinVar:

NM_000565.4(IL6R):c.1070A>G (p.Gln357Arg)

Gene: IL6R (interleukin 6 receptor; plus strand). Cytogenetic location: 1q21.3.
Variant type: single nucleotide variant.
Coding change: c.1070A>G on transcript NM_000565.4 (MANE Select); coding-DNA position 1070, A replaced by G.
Protein change: p.Gln357Arg; replaces glutamine 357 with arginine.
Molecular consequence: missense variant. On other transcripts: intron variant (2).
Genome position (GRCh38, 1-based): chr1:154,454,491, A>G. VCF-style: chr1-154454491-A-G. GRCh37 (hg19) VCF-style: chr1-154426967-A-G.
Other names: c.1169A>G, p.Gln390Arg (NM_001382769.1); c.1163A>G, p.Gln388Arg (NM_001382770.1); c.1118A>G, p.Gln373Arg (NM_001382771.1); c.1064A>G, p.Gln355Arg (NM_001382772.1); c.710A>G, p.Gln237Arg (NM_001382774.1); c.1114+4511A>G (NM_001382773.1); c.1066+4511A>G (NM_181359.3); short protein forms Q237R, Q355R, Q357R, Q390R, Q373R, Q388R.
Identifiers: ClinVar variation 2023328 (VCV002023328.4), dbSNP rs2525651522, ClinGen allele CA342624794.

ClinVar aggregate classification (germline): Uncertain significance (1 of 4 stars; one submission).

Submission:

Labcorp Genetics (formerly Invitae), Labcorp
Classification: Uncertain significance. Last evaluated: 2022-08-09. Review status: criteria provided, single submitter. Criteria: Invitae Variant Classification Sherloc (09022015). Collection method: clinical testing. Allele origin: germline.
Comment: In summary, the available evidence is currently insufficient to determine the role of this variant in disease. Therefore, it has been classified as a Variant of Uncertain Significance. Experimental studies have shown that this missense change affects IL6R function (PMID: 8176214). Algorithms developed to predict the effect of missense changes on protein structure and function (SIFT, PolyPhen-2, Align-GVGD) all suggest that this variant is likely to be tolerated. This variant has not been reported in the literature in individuals affected with IL6R-related conditions. This variant is not present in population databases (gnomAD no frequency). This sequence change replaces glutamine, which is neutral and polar, with arginine, which is basic and polar, at codon 357 of the IL6R protein (p.Gln357Arg).

Literature cited by the submitters: PubMed 8176214.